The following is an entry in ClinVar:

NM_004667.6(HERC2):c.12378C>T (p.Ser4126=)

Gene: HERC2 (HECT and RLD domain containing E3 ubiquitin protein ligase 2; minus strand). Cytogenetic location: 15q13.1.
Variant type: single nucleotide variant.
Coding change: c.12378C>T on transcript NM_004667.6 (MANE Select); coding-DNA position 12378, C replaced by T.
Protein change: p.Ser4126=; no amino-acid change (serine 4126 retained).
Molecular consequence: synonymous variant.
Genome position (GRCh38, 1-based): chr15:28,132,683, G>A on the plus strand (C>T on the coding strand, the complement: HERC2 is on the minus strand). VCF-style: chr15-28132683-G-A. GRCh37 (hg19) VCF-style: chr15-28377829-G-A.
Identifiers: ClinVar variation 2645036 (VCV002645036.24), dbSNP rs200702908, ClinGen allele CA7440339.
Genomic context (GRCh38, chr15:28,132,683, plus strand): 5'-CTCCGGCCTCTGCACACGGCGCCTCCTCACCAGCTTCGGCTTCAGCTGGTCCTCACTGTC[G>A]CTGTGCCCCAGCCGGCCGTAGCGGCCTTTGCCCCATGTGTAGAGGTCCCCGGCTGCTGTG-3'
Protein context (NP_004658.3, residues 4116-4136): GKGRYGRLGH[Ser4126=]DSEDQLKPKL

ClinVar aggregate classification (germline): Likely benign (1 of 4 stars; one submission).

Allele frequency attached by ClinVar (database versions not stated): ExAC 0.00001; gnomAD 0.00001; gnomAD exomes 0.00004.
gnomAD v4.1: 61 of 1,578,258 alleles (0.0039%); highest among the groups gnomAD compares: African/African-American, 0.0055%; no homozygotes.

Submission:

CeGaT Center for Human Genetics Tuebingen
Classification: Likely benign. Last evaluated: 2023-02-01. Review status: criteria provided, single submitter. Criteria: CeGaT Center For Human Genetics Tuebingen Variant Classification Criteria Version 2. Collection method: clinical testing. Allele origin: germline. Affected: yes. Observed: 1 variant allele.
Comment: HERC2: BP4, BP7